The following is an entry in ClinVar:

NM_001261826.3(AP3D1):c.1579G>A (p.Val527Ile)

Gene: AP3D1 (adaptor related protein complex 3 subunit delta 1; minus strand). Cytogenetic location: 19p13.3.
Variant type: single nucleotide variant.
Coding change: c.1579G>A on transcript NM_001261826.3 (MANE Select); coding-DNA position 1579, G replaced by A.
Protein change: p.Val527Ile; replaces valine 527 with isoleucine.
Molecular consequence: missense variant.
Genome position (GRCh38, 1-based): chr19:2,118,735, C>T on the plus strand (G>A on the coding strand, the complement: AP3D1 is on the minus strand). VCF-style: chr19-2118735-C-T. GRCh37 (hg19) VCF-style: chr19-2118734-C-T.
Other names: c.1579G>A, p.Val527Ile (NM_001374799.1, NM_003938.8); short protein forms V527I.
Identifiers: ClinVar variation 1921916 (VCV001921916.5), dbSNP rs746784351, ClinGen allele CA9059272.

ClinVar aggregate classification (germline): Uncertain significance (1 of 4 stars; one submission).

Allele frequency attached by ClinVar (database versions not stated): gnomAD exomes below 0.00001; ExAC 0.00001; gnomAD 0.00001.
gnomAD v4.1: 5 of 1,613,766 alleles (0.00031%); highest among the groups gnomAD compares: South Asian, 0.0055%; no homozygotes.

Submission:

Labcorp Genetics (formerly Invitae), Labcorp
Classification: Uncertain significance. Last evaluated: 2022-07-14. Review status: criteria provided, single submitter. Criteria: Invitae Variant Classification Sherloc (09022015). Collection method: clinical testing. Allele origin: germline.
Comment: This sequence change replaces valine, which is neutral and non-polar, with isoleucine, which is neutral and non-polar, at codon 527 of the AP3D1 protein (p.Val527Ile). This variant is present in population databases (rs746784351, gnomAD 0.006%). This variant has not been reported in the literature in individuals affected with AP3D1-related conditions. Algorithms developed to predict the effect of missense changes on protein structure and function (SIFT, PolyPhen-2, Align-GVGD) all suggest that this variant is likely to be tolerated. In summary, the available evidence is currently insufficient to determine the role of this variant in disease. Therefore, it has been classified as a Variant of Uncertain Significance.